The following is an entry in ClinVar:

NM_006922.4(SCN3A):c.5852G>A (p.Gly1951Glu)

Gene: SCN3A (sodium voltage-gated channel alpha subunit 3; minus strand). Cytogenetic location: 2q24.3.
Variant type: single nucleotide variant.
Coding change: c.5852G>A on transcript NM_006922.4 (MANE Select); coding-DNA position 5852, G replaced by A.
Protein change: p.Gly1951Glu; replaces glycine 1951 with glutamic acid.
Molecular consequence: missense variant.
Genome position (GRCh38, 1-based): chr2:165,090,301, C>T on the plus strand (G>A on the coding strand, the complement: SCN3A is on the minus strand). VCF-style: chr2-165090301-C-T. GRCh37 (hg19) VCF-style: chr2-165946811-C-T.
Other names: c.5705G>A, p.Gly1902Glu (NM_001081676.2, NM_001081677.2); short protein forms G1902E, G1951E.
Identifiers: ClinVar variation 2580787 (VCV002580787.2), dbSNP rs1308612688, ClinGen allele CA349009475.

ClinVar aggregate classification (germline): Uncertain significance (1 of 4 stars; one submission).

Allele frequency attached by ClinVar (database versions not stated): gnomAD 0.00001; gnomAD exomes below 0.00001; TOPMed 0.00002.
gnomAD v4.1: 4 of 1,613,006 alleles (0.00025%); highest among the groups gnomAD compares: African/African-American, 0.0053%; no homozygotes.

Submission:

GeneDx
Classification: Uncertain significance. Last evaluated: 2025-06-27. Review status: criteria provided, single submitter. Criteria: GeneDx Variant Classification Process June 2021. Collection method: clinical testing. Allele origin: germline.
Comment: Not observed at significant frequency in large population cohorts (gnomAD); In silico analysis suggests that this missense variant does not alter protein structure/function; Has not been previously published as pathogenic or benign to our knowledge